The following is an entry in ClinVar:

ClinVar aggregate classification (germline): Benign. Review status: criteria provided, multiple submitters, no conflicts (2 of 4 stars). 7 submissions from 7 submitters: Benign (6). 1 of the submissions does not count toward it. Last evaluated 2026-01-25.

Conditions:
Emery-Dreifuss muscular dystrophy 5, autosomal dominant (EDMD5). Also called: EMERY-DREIFUSS MUSCULAR DYSTROPHY 5. Identifiers: Orphanet 261, MedGen C2751805, MONDO:0013072, OMIM 612999.

Allele frequency attached by ClinVar (database versions not stated): ESP Exome Variant Server 0.00058; gnomAD 0.00091 and 0.00166; TOPMed 0.00107; gnomAD exomes 0.00202 and 0.00243; ExAC 0.00294; 1000 Genomes Project 30x 0.00781; 1000 Genomes Project 0.00879.
gnomAD v4.1: 3,258 of 1,614,184 alleles (0.2%); highest among the groups gnomAD compares: East Asian, 3.5%; 66 homozygotes.

Submissions (7):

Labcorp Genetics (formerly Invitae), Labcorp
Classification: Benign for Emery-Dreifuss muscular dystrophy 5, autosomal dominant. Last evaluated: 2026-01-25. Review status: criteria provided, single submitter. Criteria: Invitae Variant Classification Sherloc (09022015). Collection method: clinical testing. Allele origin: germline.

Athena Diagnostics
Classification: Benign. Last evaluated: 2024-10-29. Review status: criteria provided, single submitter. Criteria: Athena Diagnostics Criteria. Collection method: clinical testing. Allele origin: unknown.

CeGaT Center for Human Genetics Tuebingen
Classification: Benign. Last evaluated: 2023-01-01. Review status: criteria provided, single submitter. Criteria: CeGaT Center For Human Genetics Tuebingen Variant Classification Criteria Version 2. Collection method: clinical testing. Allele origin: germline. Affected: yes. Observed: 1 variant allele.
Comment: SYNE2: BP4, BS1, BS2

Illumina Laboratory Services, Illumina
Classification: Benign for Emery-Dreifuss muscular dystrophy 5, autosomal dominant. Last evaluated: 2018-01-13. Review status: criteria provided, single submitter. Criteria: ICSL Variant Classification Criteria 13 December 2019. Collection method: clinical testing. Allele origin: germline.
Comment: This variant was observed in the ICSL laboratory as part of a predisposition screen in an ostensibly healthy population. It had not been previously curated by ICSL or reported in the Human Gene Mutation Database (HGMD: prior to June 1st, 2018), and was therefore a candidate for classification through an automated scoring system. Utilizing variant allele frequency, disease prevalence and penetrance estimates, and inheritance mode, an automated score was calculated to assess if this variant is too frequent to cause the disease. Based on the score and internal cut-off values, a variant classified as benign is not then subjected to further curation. The score for this variant resulted in a classification of benign for this disease.

Eurofins Ntd Llc (ga)
Classification: Benign. Last evaluated: 2015-09-22. Review status: criteria provided, single submitter. Criteria: EGL Classification Definitions 2015. Collection method: clinical testing. Allele origin: germline. Observed: 1 variant allele, 1 heterozygote.

Breakthrough Genomics
Classification: Benign. Review status: criteria provided, single submitter. Criteria: ACMG Guidelines, 2015. Collection method: not provided. Allele origin: germline. Inheritance: Autosomal dominant inheritance. Affected: yes.

Genetic Services Laboratory, University of Chicago
Classification: Likely benign for AllHighlyPenetrant. Review status: no assertion criteria provided. Collection method: clinical testing. Allele origin: germline. Inheritance: Autosomal dominant inheritance. Not counted in ClinVar's aggregate classification.
Comment: Likely benign based on allele frequency in 1000 Genomes Project or ESP global frequency and its presence in a patient with a rare or unrelated disease phenotype. NOT Sanger confirmed.

Literature cited by the submitters: PubMed 32697988 (cited by Athena Diagnostics); PubMed 32766464 (cited by Athena Diagnostics).

NM_182914.3(SYNE2):c.7124T>C (p.Leu2375Pro)

Gene: SYNE2 (spectrin repeat containing nuclear envelope protein 2; plus strand). Cytogenetic location: 14q23.2.
Variant type: single nucleotide variant.
Coding change: c.7124T>C on transcript NM_182914.3 (MANE Select); coding-DNA position 7124, T replaced by C.
Protein change: p.Leu2375Pro; replaces leucine 2375 with proline.
Molecular consequence: missense variant.
Genome position (GRCh38, 1-based): chr14:64,031,260, T>C. VCF-style: chr14-64031260-T-C. GRCh37 (hg19) VCF-style: chr14-64497978-T-C.
Other names: c.7124T>C, p.Leu2375Pro (NM_015180.6); short protein forms L2375P.
Identifiers: ClinVar variation 130509 (VCV000130509.49), dbSNP rs111902869, ClinGen allele CA155602.
Genomic context (GRCh38, chr14:64,031,260, plus strand): 5'-GTTGTCTCAACAGCATTCTCAAATCAAAACGCTCAACAGAAAAGAAAGGAAAGTTTACTC[T>C]GCCAGGCAGAGAGAAGCAGGCCACTTCTGATGTGCAGGAGTCTACTCAGGAATCAGCTGC-3'
Protein context (NP_878918.2, residues 2365-2385): RSTEKKGKFT[Leu2375Pro]PGREKQATSD